The following is an entry in ClinVar:

ClinVar aggregate classification (germline): Uncertain significance (1 of 4 stars; one submission).

Conditions:
Muscular dystrophy-dystroglycanopathy (congenital with brain and eye anomalies), type A13. Also called: Muscular dystrophy-dystroglycanopathy (congenital with brain and eye anomalies), type a, 13; WALKER-WARBURG SYNDROME OR MUSCLE-EYE-BRAIN DISEASE, B3GNT1-RELATED. Identifiers: Orphanet 899, MedGen C3809042, MONDO:0014120, OMIM 615287.

Allele frequency attached by ClinVar (database versions not stated): TOPMed 0.00001.

Submission:

Labcorp Genetics (formerly Invitae), Labcorp
Classification: Uncertain significance for Muscular dystrophy-dystroglycanopathy (congenital with brain and eye anomalies), type A13. Last evaluated: 2021-12-28. Review status: criteria provided, single submitter. Criteria: Invitae Variant Classification Sherloc (09022015). Collection method: clinical testing. Allele origin: germline.
Comment: In summary, the available evidence is currently insufficient to determine the role of this variant in disease. Therefore, it has been classified as a Variant of Uncertain Significance. Algorithms developed to predict the effect of missense changes on protein structure and function are either unavailable or do not agree on the potential impact of this missense change (SIFT: "Deleterious"; PolyPhen-2: "Probably Damaging"; Align-GVGD: "Class C0"). ClinVar contains an entry for this variant (Variation ID: 940793). This variant has not been reported in the literature in individuals affected with B4GAT1-related conditions. This variant is not present in population databases (gnomAD no frequency). This sequence change replaces leucine, which is neutral and non-polar, with methionine, which is neutral and non-polar, at codon 366 of the B4GAT1 protein (p.Leu366Met).

NM_006876.3(B4GAT1):c.1096C>A (p.Leu366Met)

Gene: B4GAT1 (beta-1,4-glucuronyltransferase 1; minus strand). Cytogenetic location: 11q13.2.
Variant type: single nucleotide variant.
Coding change: c.1096C>A on transcript NM_006876.3 (MANE Select); coding-DNA position 1096, C replaced by A.
Protein change: p.Leu366Met; replaces leucine 366 with methionine.
Molecular consequence: missense variant.
Genome position (GRCh38, 1-based): chr11:66,346,201, G>T on the plus strand (C>A on the coding strand, the complement: B4GAT1 is on the minus strand). VCF-style: chr11-66346201-G-T. GRCh37 (hg19) VCF-style: chr11-66113672-G-T.
Other names: short protein forms L366M.
Identifiers: ClinVar variation 940793 (VCV000940793.9), dbSNP rs898632587, ClinGen allele CA224043185.